The following is an entry in ClinVar:

ClinVar aggregate classification (germline): Benign. Review status: criteria provided, multiple submitters, no conflicts (2 of 4 stars). 10 submissions from 9 submitters: Benign (10). Last evaluated 2026-02-04.

Conditions:
Cerebrooculofacioskeletal syndrome 3 (COFS3). Identifiers: MedGen C1851443, MONDO:0014696, OMIM 616570.
Xeroderma pigmentosum, group G (XPG). Also called: XERODERMA PIGMENTOSUM VII; XP, GROUP G; ERCC5-Related Xeroderma Pigmentosum; Xeroderma pigmentosum type 7. Identifiers: MedGen C0268141, MONDO:0010216, OMIM 278780.

Allele frequency attached by ClinVar (database versions not stated): 1000 Genomes Project 30x 0.31621; 1000 Genomes Project 0.31709; TOPMed 0.39997; gnomAD 0.42431 and 0.42594; ESP Exome Variant Server 0.43449; gnomAD exomes 0.44327 and 0.52184; ExAC 0.45129.

Submissions (10):

Labcorp Genetics (formerly Invitae), Labcorp
Classification: Benign. Last evaluated: 2026-02-04. Review status: criteria provided, single submitter. Criteria: Invitae Variant Classification Sherloc (09022015). Collection method: clinical testing. Allele origin: germline.

KCCC/NGS Laboratory, Kuwait Cancer Control Center
Classification: Benign for Xeroderma pigmentosum, group G. Last evaluated: 2025-02-01. Review status: criteria provided, single submitter. Criteria: ACMG Guidelines, 2015. Collection method: clinical testing. Allele origin: germline. Affected: no.

Blueprint Genetics
Classification: Benign. Last evaluated: 2024-11-27. Review status: criteria provided, single submitter. Criteria: ACMG Guidelines, 2015. Collection method: clinical testing. Allele origin: germline.

Genome-Nilou Lab
Classification: Benign for Cerebrooculofacioskeletal syndrome 3. Last evaluated: 2021-07-30. Review status: criteria provided, single submitter. Criteria: ACMG Guidelines, 2015. Collection method: clinical testing. Allele origin: germline. Affected: no.

Genome-Nilou Lab
Classification: Benign for Xeroderma pigmentosum, group G. Last evaluated: 2021-07-30. Review status: criteria provided, single submitter. Criteria: ACMG Guidelines, 2015. Collection method: clinical testing. Allele origin: germline. Affected: no.

GeneDx
Classification: Benign. Last evaluated: 2018-11-11. Review status: criteria provided, single submitter. Criteria: GeneDx Variant Classification Process June 2021. Collection method: clinical testing. Allele origin: germline. Affected: yes.

Illumina Laboratory Services, Illumina
Classification: Benign for Xeroderma pigmentosum, group G. Last evaluated: 2018-01-13. Review status: criteria provided, single submitter. Criteria: ICSL Variant Classification Criteria 13 December 2019. Collection method: clinical testing. Allele origin: germline.
Comment: This variant was observed in the ICSL laboratory as part of a predisposition screen in an ostensibly healthy population. It had not been previously curated by ICSL or reported in the Human Gene Mutation Database (HGMD: prior to June 1st, 2018), and was therefore a candidate for classification through an automated scoring system. Utilizing variant allele frequency, disease prevalence and penetrance estimates, and inheritance mode, an automated score was calculated to assess if this variant is too frequent to cause the disease. Based on the score and internal cut-off values, a variant classified as benign is not then subjected to further curation. The score for this variant resulted in a classification of benign for this disease.

Clinical Genetics DNA and cytogenetics Diagnostics Lab, Erasmus MC, Erasmus Medical Center
Classification: Benign for Xeroderma pigmentosum, group G. Last evaluated: 2015-09-21. Review status: criteria provided, single submitter. Criteria: ACGS Guidelines, 2013. Collection method: clinical testing. Allele origin: germline. Affected: yes. Study: VKGL Data-share Consensus.

Breakthrough Genomics
Classification: Benign. Review status: criteria provided, single submitter. Criteria: ACMG Guidelines, 2015. Collection method: not provided. Allele origin: germline. Inheritance: Autosomal recessive inheritance. Affected: yes.

PreventionGenetics, part of Exact Sciences
Classification: Benign. Review status: criteria provided, single submitter. Criteria: ACMG Guidelines, 2015. Collection method: clinical testing. Allele origin: germline.

NM_000123.4(ERCC5):c.2879+14C>T

Genes: BIVM-ERCC5 (BIVM-ERCC5 readthrough; plus strand), ERCC5 (ERCC excision repair 5, endonuclease; plus strand). Cytogenetic location: 13q33.1.
Variant type: single nucleotide variant.
Coding change: c.2879+14C>T on transcript NM_000123.4 (MANE Select); 14 bases into the intron after coding-DNA position 2879, C replaced by T.
Molecular consequence: intron variant.
Genome position (GRCh38, 1-based): chr13:102,872,412, C>T. VCF-style: chr13-102872412-C-T. GRCh37 (hg19) VCF-style: chr13-103524762-C-T.
Other names: c.4241+14C>T (NM_001204425.2, NM_001204425.1).
Identifiers: ClinVar variation 255161 (VCV000255161.22), dbSNP rs4150360, ClinGen allele CA7041763.